The following is an entry in ClinVar:

NM_007294.4(BRCA1):c.3239T>A (p.Leu1080Ter)

Genes: BRCA1 (BRCA1 DNA repair associated; minus strand), LOC126862571 (BRD4-independent group 4 enhancer GRCh37_chr17:41243136-41244335; plus strand). Cytogenetic location: 17q21.31.
Variant type: single nucleotide variant.
Coding change: c.3239T>A on transcript NM_007294.4 (MANE Select); coding-DNA position 3239, T replaced by A.
Protein change: p.Leu1080Ter; replaces leucine 1080 with a stop codon.
Molecular consequence: nonsense. On other transcripts: intron variant (137).
Genome position (GRCh38, 1-based): chr17:43,092,292, A>T on the plus strand (T>A on the coding strand, the complement: BRCA1 is on the minus strand). VCF-style: chr17-43092292-A-T. GRCh37 (hg19) VCF-style: chr17-41244309-A-T.
Other names: 3358T>A; c.3026T>A, p.Leu1009Ter (NM_001407571.1, NM_001407853.1, NM_001407894.1 and 9 more transcripts); c.3239T>A, p.Leu1080Ter (NM_001407581.1, NM_001407582.1, NM_001407583.1 and 30 more transcripts); c.3236T>A, p.Leu1079Ter (NM_001407587.1, NM_001407590.1, NM_001407591.1 and 22 more transcripts); c.3230T>A, p.Leu1077Ter (NM_001407646.1, NM_001407647.1); c.3116T>A, p.Leu1039Ter (NM_001407648.1, NM_001407664.1, NM_001407665.1 and 19 more transcripts); c.3113T>A, p.Leu1038Ter (NM_001407649.1, NM_001407670.1, NM_001407671.1 and 11 more transcripts); c.3161T>A, p.Leu1054Ter (NM_001407653.1, NM_001407654.1, NM_001407655.1 and 4 more transcripts); and 42 more; short protein forms L1080*, L1033*, L1038*, L784*, L952*, L1009*, L1010*, L1013*.
Identifiers: ClinVar variation 54804 (VCV000054804.7), dbSNP rs80357145, ClinGen allele CA002097.

ClinVar aggregate classification (germline): Pathogenic. Review status: reviewed by expert panel (3 of 4 stars). 6 submissions from 6 submitters: Pathogenic (1). 5 of the submissions do not count toward it. Last evaluated 2016-04-22.

Conditions:
Hereditary breast ovarian cancer syndrome. Also called: Hereditary breast and ovarian cancer syndrome (HBOC); Hereditary breast and ovarian cancer syndrome; Hereditary breast and ovarian cancer; Hereditary breast and/or ovarian cancer syndrome; Breast and ovarian cancer; BRCA1- and BRCA2-Associated Hereditary Breast and Ovarian Cancer. Identifiers: Orphanet 145, MedGen C0677776, MeSH D061325, MONDO:0003582. Disease mechanism: loss of function.
Breast-ovarian cancer, familial, susceptibility to, 1 (BROVCA1). Also called: OVARIAN CANCER, SUSCEPTIBILITY TO; BRCA1 Hereditary Breast and Ovarian Cancer. Identifiers: Orphanet 145, MedGen C2676676, MONDO:0011450, OMIM 604370. Disease mechanism: loss of function.

Submissions (6):

Evidence-based Network for the Interpretation of Germline Mutant Alleles (ENIGMA)
Classification: Pathogenic for Breast-ovarian cancer, familial, susceptibility to, 1. Last evaluated: 2016-04-22. Review status: reviewed by expert panel. Criteria: ENIGMA BRCA1/2 Classification Criteria (2015). Collection method: curation. Allele origin: germline.
Comment: Variant allele predicted to encode a truncated non-functional protein.

Labcorp Genetics (formerly Invitae), Labcorp
Classification: Pathogenic for Hereditary breast ovarian cancer syndrome. Last evaluated: 2024-06-11. Review status: criteria provided, single submitter. Criteria: Invitae Variant Classification Sherloc (09022015). Collection method: clinical testing. Allele origin: germline. Not counted in ClinVar's aggregate classification.
Comment: This sequence change creates a premature translational stop signal (p.Leu1080*) in the BRCA1 gene. It is expected to result in an absent or disrupted protein product. Loss-of-function variants in BRCA1 are known to be pathogenic (PMID: 20104584). This variant is not present in population databases (gnomAD no frequency). This premature translational stop signal has been observed in individual(s) with hereditary breast and ovarian cancer syndrome (PMID: 7493024, 27742776, 29446198, 29907814). ClinVar contains an entry for this variant (Variation ID: 54804). For these reasons, this variant has been classified as Pathogenic.

Quest Diagnostics Nichols Institute San Juan Capistrano
Classification: Pathogenic. Last evaluated: 2023-06-29. Review status: criteria provided, single submitter. Criteria: Quest Diagnostics criteria. Collection method: clinical testing. Allele origin: unknown. Not counted in ClinVar's aggregate classification.
Comment: The BRCA1 c.3239T>A (p.Leu1080*) variant causes the premature termination of BRCA1 protein synthesis. This variant has been reported in the published literature in individuals with a personal or family history of breast and/or ovarian cancer (PMIDs: 29907814 (2018), 27741520 (2016), 7493024 (1995)), as well as pancreatic cancer (PMID: 30736435 (2019)). This variant has not been reported in large, multi-ethnic general populations (Genome Aggregation Database). Based on the available information, this variant is classified as pathogenic.

Consortium of Investigators of Modifiers of BRCA1/2 (CIMBA), c/o University of Cambridge
Classification: Pathogenic for Breast-ovarian cancer, familial, susceptibility to, 1. Last evaluated: 2015-10-02. Review status: criteria provided, single submitter. Criteria: CIMBA Mutation Classification guidelines May 2016. Collection method: clinical testing. Allele origin: germline. Not counted in ClinVar's aggregate classification.

Research Molecular Genetics Laboratory, Women's College Hospital, University of Toronto
Classification: Pathogenic for Hereditary breast ovarian cancer syndrome. Last evaluated: 2014-01-31. Review status: no assertion criteria provided. Collection method: research. Allele origin: germline. Affected: yes. Study: The Canadian Open Genetics Repository (COGR). Not counted in ClinVar's aggregate classification.

Breast Cancer Information Core (BIC) (BRCA1)
Classification: Pathogenic for Breast-ovarian cancer, familial 1. Last evaluated: 2002-05-29. Review status: no assertion criteria provided. Collection method: clinical testing. Allele origin: germline. Affected: yes. Observed: 3 variant alleles. Not counted in ClinVar's aggregate classification.

Literature cited by the submitters: PubMed 20104584 (cited by Labcorp Genetics (formerly Invitae), Labcorp); PubMed 7493024 (cited by Labcorp Genetics (formerly Invitae), Labcorp and Quest Diagnostics Nichols Institute San Juan Capistrano); PubMed 27742776 (cited by Labcorp Genetics (formerly Invitae), Labcorp); PubMed 29446198 (cited by Labcorp Genetics (formerly Invitae), Labcorp and Quest Diagnostics Nichols Institute San Juan Capistrano); PubMed 29907814 (cited by Labcorp Genetics (formerly Invitae), Labcorp and Quest Diagnostics Nichols Institute San Juan Capistrano); PubMed 30736435 (cited by Quest Diagnostics Nichols Institute San Juan Capistrano); PubMed 25525159 (cited by Quest Diagnostics Nichols Institute San Juan Capistrano); PubMed 27741520 (cited by Quest Diagnostics Nichols Institute San Juan Capistrano).